The following is an entry in ClinVar:

NM_004100.5(EYA4):c.887C>T (p.Ser296Leu)

Gene: EYA4 (EYA transcriptional coactivator and phosphatase 4; plus strand). Cytogenetic location: 6q23.2.
Variant type: single nucleotide variant.
Coding change: c.887C>T on transcript NM_004100.5 (MANE Select); coding-DNA position 887, C replaced by T.
Protein change: p.Ser296Leu; replaces serine 296 with leucine.
Molecular consequence: missense variant.
Genome position (GRCh38, 1-based): chr6:133,468,648, C>T. VCF-style: chr6-133468648-C-T. GRCh37 (hg19) VCF-style: chr6-133789786-C-T.
Other names: c.725C>T, p.Ser242Leu (NM_001301012.2, NM_001370459.1); c.887C>T, p.Ser296Leu (NM_001301013.2, NM_172105.4); c.818C>T, p.Ser273Leu (NM_001370458.1, NM_172103.4); short protein forms S296L, S273L, S242L.
Identifiers: ClinVar variation 191661 (VCV000191661.9), dbSNP rs755455584, ClinGen allele CA237186.

ClinVar aggregate classification (germline): Uncertain significance. Review status: criteria provided, multiple submitters, no conflicts (2 of 4 stars). 2 submissions from 2 submitters: Uncertain significance (2). Last evaluated 2024-07-03.

Conditions:
Dilated cardiomyopathy 1J (CMD1J). Also called: CARDIOMYOPATHY, DILATED, WITH SENSORINEURAL HEARING LOSS, AUTOSOMAL DOMINANT. Identifiers: Orphanet 217622, MedGen C1854368, MONDO:0011541, OMIM 605362.

Allele frequency attached by ClinVar (database versions not stated): TOPMed below 0.00001; ExAC 0.00002; gnomAD exomes 0.00002.
gnomAD v4.1: 10 of 1,612,870 alleles (0.00062%); highest among the groups gnomAD compares: East Asian, 0.0045%; no homozygotes.

Submissions (2):

Labcorp Genetics (formerly Invitae), Labcorp
Classification: Uncertain significance for Dilated cardiomyopathy 1J. Last evaluated: 2024-07-03. Review status: criteria provided, single submitter. Criteria: Invitae Variant Classification Sherloc (09022015). Collection method: clinical testing. Allele origin: germline.
Comment: This sequence change replaces serine, which is neutral and polar, with leucine, which is neutral and non-polar, at codon 296 of the EYA4 protein (p.Ser296Leu). This variant is present in population databases (rs755455584, gnomAD 0.01%). This missense change has been observed in individual(s) with hearing loss (PMID: 32107406). ClinVar contains an entry for this variant (Variation ID: 191661). Advanced modeling of protein sequence and biophysical properties (such as structural, functional, and spatial information, amino acid conservation, physicochemical variation, residue mobility, and thermodynamic stability) performed at Invitae indicates that this missense variant is not expected to disrupt EYA4 protein function with a negative predictive value of 80%. In summary, the available evidence is currently insufficient to determine the role of this variant in disease. Therefore, it has been classified as a Variant of Uncertain Significance.

Biesecker Lab/Clinical Genomics Section, National Institutes of Health
Classification: Uncertain significance. Last evaluated: 2013-06-24. Review status: criteria provided, single submitter. Criteria: Ng et al. (Circ Cardiovasc Genet. 2013). Collection method: research. Allele origin: unknown. Observed: 1 variant allele. Study: ClinSeq.
Comment: The study set was not selected for affection status in relation to any cancer. Pathogenicity categories were based on literature curation. See Pubmed ID:23861362 for details.

Medical sequencing

Literature cited by the submitters: PubMed 32107406 (cited by Labcorp Genetics (formerly Invitae), Labcorp).